The following is an entry in ClinVar:

NM_000090.4(COL3A1):c.3537C>A (p.Gly1179=)

Gene: COL3A1 (collagen type III alpha 1 chain; plus strand). Cytogenetic location: 2q32.2.
Variant type: single nucleotide variant.
Coding change: c.3537C>A on transcript NM_000090.4 (MANE Select); coding-DNA position 3537, C replaced by A.
Protein change: p.Gly1179=; no amino-acid change (glycine 1179 retained).
Molecular consequence: synonymous variant.
Genome position (GRCh38, 1-based): chr2:189,008,935, C>A. VCF-style: chr2-189008935-C-A. GRCh37 (hg19) VCF-style: chr2-189873661-C-A.
Identifiers: ClinVar variation 495545 (VCV000495545.54), dbSNP rs146837092, ClinGen allele CA076187.

ClinVar aggregate classification (germline): Benign/Likely benign. Review status: criteria provided, multiple submitters, no conflicts (2 of 4 stars). 10 submissions from 10 submitters: Benign (2); Likely benign (7). 1 of the submissions does not count toward it. Last evaluated 2026-01-18.

Conditions:
Ehlers-Danlos syndrome, type 4 (EDSVASC). Also called: Ehlers-Danlos syndrome vascular type; Ehlers Danlos syndrome, ecchymotic type; Ehlers Danlos syndrome, arterial type; Ehlers Danlos syndrome, Sack-Barabas type; Ehlers-Danlos Syndrome Type IV. Identifiers: Orphanet 286, MedGen C0268338, MONDO:0017314, OMIM 130050.
COL3A1-related disorder. Also called: COL3A1-related condition.
Familial thoracic aortic aneurysm and aortic dissection (TAAD). Also called: Thoracic aortic aneurysms and dissections. Identifiers: Orphanet 91387, MedGen C4707243, MONDO:0019625.

Allele frequency attached by ClinVar (database versions not stated): TOPMed 0.00006; gnomAD exomes 0.00007; gnomAD 0.00011 and 0.00012; ESP Exome Variant Server 0.00015; ExAC 0.00017.
gnomAD v4.1: 116 of 1,613,830 alleles (0.0072%); highest among the groups gnomAD compares: Non-Finnish European, 0.0068%; no homozygotes.

Submissions (10):

Labcorp Genetics (formerly Invitae), Labcorp
Classification: Likely benign for Ehlers-Danlos syndrome, type 4. Last evaluated: 2026-01-18. Review status: criteria provided, single submitter. Criteria: Invitae Variant Classification Sherloc (09022015). Collection method: clinical testing. Allele origin: germline.

Laboratory of Genetics, Children's Clinical University Hospital Latvia
Classification: Benign. Last evaluated: 2025-02-16. Review status: criteria provided, single submitter. Criteria: ACMG Guidelines, 2015. Collection method: clinical testing. Allele origin: germline. Affected: yes.

Blueprint Genetics
Classification: Likely benign. Last evaluated: 2024-11-12. Review status: criteria provided, single submitter. Criteria: ACMG Guidelines, 2015. Collection method: clinical testing. Allele origin: germline.

All of Us Research Program, National Institutes of Health
Classification: Likely benign for Ehlers-Danlos syndrome, type 4. Last evaluated: 2024-02-05. Review status: criteria provided, single submitter. Criteria: ACMG Guidelines, 2015. Collection method: clinical testing. Allele origin: germline. Inheritance: Autosomal dominant inheritance. Observed: 17 variant alleles, 17 heterozygotes.
Comment: This study involves interpretation of variants in research participants for the purpose of population health screening. Participant phenotype was not available at the time of variant classification. Additional details can be found in publication PMID: 35346344, PMCID: PMC8962531

Ambry Genetics
Classification: Likely benign for Familial thoracic aortic aneurysm and aortic dissection. Last evaluated: 2022-06-14. Review status: criteria provided, single submitter. Criteria: Ambry Variant Classification Scheme 2023. Collection method: clinical testing. Allele origin: germline.

CeGaT Center for Human Genetics Tuebingen
Classification: Likely benign. Last evaluated: 2021-12-01. Review status: criteria provided, single submitter. Criteria: CeGaT Center For Human Genetics Tuebingen Variant Classification Criteria Version 2. Collection method: clinical testing. Allele origin: germline. Affected: yes. Observed: 1 variant allele.

Color Diagnostics, LLC DBA Color Health
Classification: Likely benign for Familial thoracic aortic aneurysm and aortic dissection. Last evaluated: 2018-05-11. Review status: criteria provided, single submitter. Criteria: ACMG Guidelines, 2015. Collection method: clinical testing. Allele origin: germline.

Women's Health and Genetics/Laboratory Corporation of America, LabCorp
Classification: Benign. Last evaluated: 2017-07-31. Review status: criteria provided, single submitter. Criteria: LabCorp Variant Classification Summary - May 2015. Collection method: clinical testing. Allele origin: germline.
Comment: Variant summary: The COL3A1 c.3537C>A (p.Gly1179Gly) variant involves the alteration of a non-conserved nucleotide, resulting in a synonymous change. One in silico tool predicts a damaging outcome for this variant. 5/5 splice prediction tools predict no significant impact on normal splicing. ESE finder predicts that this variant may affect ESE sites. However, these predictions have yet to be confirmed by functional studies. This variant was found in 21/121254 control chromosomes at a frequency of 0.0001732, which is approximately 139 times the estimated maximal expected allele frequency of a pathogenic COL3A1 variant (0.0000013), suggesting this variant is likely a benign polymorphism. The variant of interest has not, to our knowledge, been reported in affected individuals via publications. Taken together, this variant is classified as benign.

Breakthrough Genomics
Classification: Likely benign. Review status: criteria provided, single submitter. Criteria: ACMG Guidelines, 2015. Collection method: not provided. Allele origin: germline. Inheritance: Autosomal recessive inheritance. Affected: yes.

PreventionGenetics, part of Exact Sciences
Classification: Likely benign for COL3A1-related condition. Last evaluated: 2023-10-03. Review status: no assertion criteria provided. Collection method: clinical testing. Allele origin: germline. Not counted in ClinVar's aggregate classification.
Comment: This variant is classified as likely benign based on ACMG/AMP sequence variant interpretation guidelines (Richards et al. 2015 PMID: 25741868, with internal and published modifications).